The following is an entry in ClinVar:

NM_177438.3(DICER1):c.4325T>G (p.Phe1442Cys)

Gene: DICER1 (dicer 1, ribonuclease III; minus strand). Cytogenetic location: 14q32.13.
Variant type: single nucleotide variant.
Coding change: c.4325T>G on transcript NM_177438.3 (MANE Select); coding-DNA position 4325, T replaced by G.
Protein change: p.Phe1442Cys; replaces phenylalanine 1442 with cysteine.
Molecular consequence: missense variant.
Genome position (GRCh38, 1-based): chr14:95,096,595, A>C on the plus strand (T>G on the coding strand, the complement: DICER1 is on the minus strand). VCF-style: chr14-95096595-A-C. GRCh37 (hg19) VCF-style: chr14-95562932-A-C.
Other names: c.4325T>G, p.Phe1442Cys (NM_001195573.1, NM_001271282.3, NM_001291628.2 and 1 more transcripts); short protein forms F1442C.
Identifiers: ClinVar variation 859882 (VCV000859882.11), dbSNP rs1890365639, ClinGen allele CA390869323.

ClinVar aggregate classification (germline): Uncertain significance (1 of 4 stars; one submission).

Conditions:
DICER1-related tumor predisposition. Also called: DICER1 syndrome; DICER1-related pleuropulmonary blastoma cancer predisposition syndrome. Identifiers: Orphanet 284343, MedGen C3839822, MONDO:0100216.

Allele frequency attached by ClinVar (database versions not stated): gnomAD exomes below 0.00001.
gnomAD v4.1: 1 of 1,611,916 alleles (0.000062%); highest among the groups gnomAD compares: Non-Finnish European, 0.000085%; no homozygotes.

Submission:

Labcorp Genetics (formerly Invitae), Labcorp
Classification: Uncertain significance for DICER1-related tumor predisposition. Last evaluated: 2019-12-03. Review status: criteria provided, single submitter. Criteria: Invitae Variant Classification Sherloc (09022015). Collection method: clinical testing. Allele origin: germline.
Comment: In summary, the available evidence is currently insufficient to determine the role of this variant in disease. Therefore, it has been classified as a Variant of Uncertain Significance. Algorithms developed to predict the effect of missense changes on protein structure and function are either unavailable or do not agree on the potential impact of this missense change (SIFT: "Tolerated"; PolyPhen-2: "Possibly Damaging"; Align-GVGD: "Class C0"). This variant has not been reported in the literature in individuals with DICER1-related conditions. This variant is not present in population databases (ExAC no frequency). This sequence change replaces phenylalanine with cysteine at codon 1442 of the DICER1 protein (p.Phe1442Cys). The phenylalanine residue is moderately conserved and there is a large physicochemical difference between phenylalanine and cysteine.